The following is an entry in ClinVar:

NM_019066.5(MAGEL2):c.1291C>G (p.Arg431Gly)

Gene: MAGEL2 (MAGE family member L2; minus strand). Cytogenetic location: 15q11.2.
Variant type: single nucleotide variant.
Coding change: c.1291C>G on transcript NM_019066.5 (MANE Select); coding-DNA position 1291, C replaced by G.
Protein change: p.Arg431Gly; replaces arginine 431 with glycine.
Molecular consequence: missense variant.
Genome position (GRCh38, 1-based): chr15:23,646,452, G>C on the plus strand (C>G on the coding strand, the complement: MAGEL2 is on the minus strand). VCF-style: chr15-23646452-G-C. GRCh37 (hg19) VCF-style: chr15-23891599-G-C.
Other names: short protein forms R431G.
Identifiers: ClinVar variation 5001475 (VCV005001475.1).

ClinVar aggregate classification (germline): Uncertain significance (1 of 4 stars; one submission).

Conditions:
MAGEL2-related disorder. Also called: MAGEL2-related condition.

Submission:

PreventionGenetics, part of Exact Sciences
Classification: Uncertain significance for MAGEL2-related condition. Last evaluated: 2026-08-26. Review status: criteria provided, single submitter. Criteria: ACMG Guidelines, 2015. Collection method: clinical testing. Allele origin: germline.
Comment: The MAGEL2 c.1291C>G variant is predicted to result in the amino acid substitution p.Arg431Gly. To our knowledge, this variant has not been reported in the literature. This variant is reported in 0.0066% of alleles in individuals of European (Non-Finnish) descent in gnomAD. At this time, the clinical significance of this variant is uncertain due to the absence of conclusive functional and genetic evidence.